The following is an entry in ClinVar:

ClinVar aggregate classification (germline): Uncertain significance. Review status: criteria provided, multiple submitters, no conflicts (2 of 4 stars). 2 submissions from 2 submitters: Uncertain significance (2). Last evaluated 2025-03-09.

Conditions:
Postaxial polydactyly-anterior pituitary anomalies-facial dysmorphism syndrome. Also called: Culler-Jones syndrome. Identifiers: Orphanet 420584, MedGen C4014479, MONDO:0014369, OMIM 615849.
Holoprosencephaly 9 (HPE9). Also called: HOLOPROSENCEPHALY WITH MICROPHTHALMIA AND FIRST BRANCHIAL ARCH ANOMALIES; PITUITARY ANOMALIES WITH HOLOPROSENCEPHALY-LIKE FEATURES. Identifiers: Orphanet 2162, MedGen C1835819, MONDO:0012563, OMIM 610829.

Allele frequency attached by ClinVar (database versions not stated): gnomAD exomes 0.00010 and 0.00004; gnomAD 0.00012 and 0.00011; TOPMed 0.00024; 1000 Genomes Project 0.00040; 1000 Genomes Project 30x 0.00047; ExAC 0.00009.
gnomAD v4.1: 83 of 1,613,038 alleles (0.0051%); highest among the groups gnomAD compares: Admixed American, 0.073%; no homozygotes.

Submissions (2):

Labcorp Genetics (formerly Invitae), Labcorp
Classification: Uncertain significance for Postaxial polydactyly-anterior pituitary anomalies-facial dysmorphism syndrome; Holoprosencephaly 9. Last evaluated: 2025-03-09. Review status: criteria provided, single submitter. Criteria: Invitae Variant Classification Sherloc (09022015). Collection method: clinical testing. Allele origin: germline.
Comment: This sequence change replaces lysine, which is basic and polar, with arginine, which is basic and polar, at codon 1162 of the GLI2 protein (p.Lys1162Arg). This variant is present in population databases (rs190017682, gnomAD 0.05%), and has an allele count higher than expected for a pathogenic variant. This variant has not been reported in the literature in individuals affected with GLI2-related conditions. ClinVar contains an entry for this variant (Variation ID: 1397881). Invitae Evidence Modeling of protein sequence and biophysical properties (such as structural, functional, and spatial information, amino acid conservation, physicochemical variation, residue mobility, and thermodynamic stability) indicates that this missense variant is not expected to disrupt GLI2 protein function with a negative predictive value of 80%. In summary, the available evidence is currently insufficient to determine the role of this variant in disease. Therefore, it has been classified as a Variant of Uncertain Significance.

Women's Health and Genetics/Laboratory Corporation of America, LabCorp
Classification: Uncertain significance. Last evaluated: 2024-07-31. Review status: criteria provided, single submitter. Criteria: LabCorp Variant Classification Summary - May 2015. Collection method: clinical testing. Allele origin: germline.
Comment: Variant summary: GLI2 c.3485A>G (p.Lys1162Arg) results in a conservative amino acid change in the encoded protein sequence. Four of five in-silico tools predict a benign effect of the variant on protein function. The variant allele was found at a frequency of 0.0001 in 247614 control chromosomes (gnomAD). This frequency is not significantly higher than estimated for a pathogenic variant in GLI2 causing GLI2-Related Disorders, allowing no conclusion about variant significance. c.3485A>G has been reported in the literature in an individual affected with Hypopituitarism without strong evidence of causality (Vishnopolska_2021). This report does not provide unequivocal conclusions about association of the variant with GLI2-Related Disorders. To our knowledge, no experimental evidence demonstrating an impact on protein function has been reported. The following publication has been ascertained in the context of this evaluation (PMID: 33729509). ClinVar contains an entry for this variant (Variation ID: 1397881). Based on the evidence outlined above, the variant was classified as uncertain significance.

Literature cited by the submitters: PubMed 33729509 (cited by Women's Health and Genetics/Laboratory Corporation of America, LabCorp).

NM_001374353.1(GLI2):c.3434A>G (p.Lys1145Arg)

Gene: GLI2 (GLI family zinc finger 2; plus strand). Cytogenetic location: 2q14.2.
Variant type: single nucleotide variant.
Coding change: c.3434A>G on transcript NM_001374353.1 (MANE Select); coding-DNA position 3434, A replaced by G.
Protein change: p.Lys1145Arg; replaces lysine 1145 with arginine.
Molecular consequence: missense variant.
Genome position (GRCh38, 1-based): chr2:120,989,399, A>G. VCF-style: chr2-120989399-A-G. GRCh37 (hg19) VCF-style: chr2-121746975-A-G.
Other names: c.3485A>G, p.Lys1162Arg (NM_001371271.1, NM_005270.5); c.3059A>G, p.Lys1020Arg (NM_001374354.1); short protein forms K1020R, K1145R, K1162R.
Identifiers: ClinVar variation 1397881 (VCV001397881.9), dbSNP rs190017682, ClinGen allele CA1852400.
Genomic context (GRCh38, chr2:120,989,399, plus strand): 5'-TGCCTGTGCAGTGGAATGAGGTGAGCTCCGGCACCGTAGACGCCCTGGCCAGCCAGGTGA[A>G]GCCTCCACCCTTTCCTCAGGGCAACCTGGCGGTGGTGCAGCAGAAGCCTGCCTTTGGCCA-3'
Protein context (NP_001361282.1, residues 1135-1155): GTVDALASQV[Lys1145Arg]PPPFPQGNLA